The following is an entry in ClinVar:

ClinVar aggregate classification (germline): Uncertain significance (1 of 4 stars; one submission).

Submission:

Ambry Genetics
Classification: Uncertain significance. Last evaluated: 2026-03-17. Review status: criteria provided, single submitter. Criteria: Ambry Variant Classification Scheme 2023. Collection method: clinical testing. Allele origin: germline.
Comment: The p.D101H variant (also known as c.301G>C), located in coding exon 1 of the EGLN1 gene, results from a G to C substitution at nucleotide position 301. The aspartic acid at codon 101 is replaced by histidine, an amino acid with similar properties. This amino acid position is conserved. In addition, this alteration is predicted to be tolerated by in silico analysis. Based on the available evidence, the clinical significance of this variant remains unclear.

NM_022051.3(EGLN1):c.301G>C (p.Asp101His)

Gene: EGLN1 (egl-9 family hypoxia inducible factor 1; minus strand). Cytogenetic location: 1q42.2.
Variant type: single nucleotide variant.
Coding change: c.301G>C on transcript NM_022051.3 (MANE Select); coding-DNA position 301, G replaced by C.
Protein change: p.Asp101His; replaces aspartic acid 101 with histidine.
Molecular consequence: missense variant.
Genome position (GRCh38, 1-based): chr1:231,421,588, C>G on the plus strand (G>C on the coding strand, the complement: EGLN1 is on the minus strand). VCF-style: chr1-231421588-C-G. GRCh37 (hg19) VCF-style: chr1-231557334-C-G.
Other names: c.301G>C, p.Asp101His (NM_001377260.1, NM_001377261.1); short protein forms D101H.
Identifiers: ClinVar variation 4870308 (VCV004870308.1).